The following is an entry in ClinVar:

NM_058216.3(RAD51C):c.416C>T (p.Ala139Val)

Gene: RAD51C (RAD51 paralog C; plus strand). Cytogenetic location: 17q22.
Variant type: single nucleotide variant.
Coding change: c.416C>T on transcript NM_058216.3 (MANE Select); coding-DNA position 416, C replaced by T.
Protein change: p.Ala139Val; replaces alanine 139 with valine.
Molecular consequence: missense variant.
Genome position (GRCh38, 1-based): chr17:58,696,704, C>T. VCF-style: chr17-58696704-C-T. GRCh37 (hg19) VCF-style: chr17-56774065-C-T.
Other names: short protein forms A139V.
Identifiers: ClinVar variation 628696 (VCV000628696.18), dbSNP rs1567788274, ClinGen allele CA400343816.

ClinVar aggregate classification (germline): Uncertain significance. Review status: criteria provided, multiple submitters, no conflicts (2 of 4 stars). 5 submissions from 5 submitters: Uncertain significance (5). Last evaluated 2026-02-02.

Conditions:
Breast-ovarian cancer, familial, susceptibility to, 3. Also called: RAD51C-Related Breast/Ovarian Cancer. Identifiers: Orphanet 145, MedGen C3150659, MONDO:0013253, OMIM 613399.
Hereditary cancer-predisposing syndrome. Also called: Tumor predisposition; Neoplastic Syndromes, Hereditary; Hereditary Cancer Syndrome; Hereditary neoplastic syndrome. Identifiers: Orphanet 140162, MedGen C0027672, MeSH D009386, MONDO:0015356.
Fanconi anemia complementation group O. Also called: RAD51C-Related Fanconi Anemia. Identifiers: Orphanet 84, MedGen C3150653, MONDO:0013248, OMIM 613390.

Submissions (5):

Labcorp Genetics (formerly Invitae), Labcorp
Classification: Uncertain significance for Fanconi anemia complementation group O. Last evaluated: 2026-02-02. Review status: criteria provided, single submitter. Criteria: Invitae Variant Classification Sherloc (09022015). Collection method: clinical testing. Allele origin: germline.
Comment: This sequence change replaces alanine, which is neutral and non-polar, with valine, which is neutral and non-polar, at codon 139 of the RAD51C protein (p.Ala139Val). This variant is not present in population databases (gnomAD no frequency). This missense change has been observed in individual(s) with breast cancer (PMID: 35534704). ClinVar contains an entry for this variant (Variation ID: 628696). Invitae Evidence Modeling of protein sequence and biophysical properties (such as structural, functional, and spatial information, amino acid conservation, physicochemical variation, residue mobility, and thermodynamic stability) indicates that this missense variant is not expected to disrupt RAD51C protein function with a negative predictive value of 80%. In summary, the available evidence is currently insufficient to determine the role of this variant in disease. Therefore, it has been classified as a Variant of Uncertain Significance.

Baylor Genetics
Classification: Uncertain significance for Breast-ovarian cancer, familial, susceptibility to, 3. Last evaluated: 2024-03-03. Review status: criteria provided, single submitter. Criteria: ACMG Guidelines, 2015. Collection method: clinical testing. Allele origin: unknown.

Color Diagnostics, LLC DBA Color Health
Classification: Uncertain significance for Hereditary cancer-predisposing syndrome. Last evaluated: 2023-12-04. Review status: criteria provided, single submitter. Criteria: ACMG Guidelines, 2015. Collection method: clinical testing. Allele origin: germline.
Comment: This missense variant replaces alanine with valine at codon 139 of the RAD51C protein. Computational prediction is inconclusive regarding the impact of this variant on protein structure and function (internally defined REVEL score threshold 0.5 < inconclusive < 0.7, PMID: 27666373). To our knowledge, functional studies have not been reported for this variant. This variant has not been reported in individuals affected with RAD51C-related disorders in the literature. This variant has not been identified in the general population by the Genome Aggregation Database (gnomAD). The available evidence is insufficient to determine the role of this variant in disease conclusively. Therefore, this variant is classified as a Variant of Uncertain Significance.

Ambry Genetics
Classification: Uncertain significance for Hereditary cancer-predisposing syndrome. Last evaluated: 2023-07-27. Review status: criteria provided, single submitter. Criteria: Ambry Variant Classification Scheme 2023. Collection method: clinical testing. Allele origin: germline.
Comment: The p.A139V variant (also known as c.416C>T), located in coding exon 3 of the RAD51C gene, results from a C to T substitution at nucleotide position 416. The alanine at codon 139 is replaced by valine, an amino acid with similar properties. This amino acid position is conserved. In addition, the in silico prediction for this alteration is inconclusive. Since supporting evidence is limited at this time, the clinical significance of this alteration remains unclear.

Sema4
Classification: Uncertain significance for Hereditary cancer-predisposing syndrome. Last evaluated: 2021-11-30. Review status: criteria provided, single submitter. Criteria: Sema4 Curation Guidelines. Collection method: curation. Allele origin: germline.
Comment: The RAD51C c.416C>T (p.A139V) variant has not been reported in the literature to our knowledge. It was not observed in the large and broad cohorts of the Genome Aggregation Database (PMID: 32461654). The variant has been reported in ClinVar (Variation ID 628696). Functional studies have not been performed, and in silico predictions of the variant's effect on protein function are inconclusive. The evidence is insufficient to meet ACMG/AMP criteria for classifying the variant as benign or pathogenic. Thus, the clinical significance of this variant is currently uncertain.

Literature cited by the submitters: PubMed 35534704 (cited by Labcorp Genetics (formerly Invitae), Labcorp).